The following is an entry in ClinVar:

ClinVar aggregate classification (germline): Uncertain significance (1 of 4 stars; one submission).

Conditions:
Dilated cardiomyopathy 1CC (CMD1CC). Identifiers: Orphanet 154, MedGen C2751084, MONDO:0013147, OMIM 613122.
Hypertrophic cardiomyopathy 20. Identifiers: MedGen C3151267, MONDO:0013477, OMIM 613876.

Allele frequency attached by ClinVar (database versions not stated): ExAC 0.00001; gnomAD 0.00001; gnomAD exomes 0.00001.
gnomAD v4.1: 8 of 1,604,824 alleles (0.0005%); highest among the groups gnomAD compares: Non-Finnish European, 0.00068%; no homozygotes.

Submission:

Labcorp Genetics (formerly Invitae), Labcorp
Classification: Uncertain significance for Dilated cardiomyopathy 1CC; Hypertrophic cardiomyopathy 20. Last evaluated: 2022-08-09. Review status: criteria provided, single submitter. Criteria: Invitae Variant Classification Sherloc (09022015). Collection method: clinical testing. Allele origin: germline.
Comment: This sequence change replaces lysine, which is basic and polar, with glutamine, which is neutral and polar, at codon 362 of the NEXN protein (p.Lys362Gln). This variant is present in population databases (rs779386334, gnomAD 0.003%). This variant has not been reported in the literature in individuals affected with NEXN-related conditions. Algorithms developed to predict the effect of missense changes on protein structure and function are either unavailable or do not agree on the potential impact of this missense change (SIFT: "Deleterious"; PolyPhen-2: "Benign"; Align-GVGD: "Class C0"). In summary, the available evidence is currently insufficient to determine the role of this variant in disease. Therefore, it has been classified as a Variant of Uncertain Significance.

NM_144573.4(NEXN):c.1084A>C (p.Lys362Gln)

Gene: NEXN (nexilin F-actin binding protein; plus strand). Cytogenetic location: 1p31.1.
Variant type: single nucleotide variant.
Coding change: c.1084A>C on transcript NM_144573.4 (MANE Select); coding-DNA position 1084, A replaced by C.
Protein change: p.Lys362Gln; replaces lysine 362 with glutamine.
Molecular consequence: missense variant.
Genome position (GRCh38, 1-based): chr1:77,933,312, A>C. VCF-style: chr1-77933312-A-C. GRCh37 (hg19) VCF-style: chr1-78398997-A-C.
Other names: c.892A>C, p.Lys298Gln (NM_001172309.2); short protein forms K362Q, K298Q.
Identifiers: ClinVar variation 2161601 (VCV002161601.1), dbSNP rs779386334, ClinGen allele CA918802.